The following is an entry in ClinVar:

ClinVar aggregate classification (germline): Likely pathogenic. Review status: reviewed by expert panel (3 of 4 stars). 4 submissions from 4 submitters: Likely pathogenic (1). 3 of the submissions do not count toward it. Last evaluated 2024-01-10.

Conditions:
X-linked severe combined immunodeficiency (SCIDX1). Also called: T-B+ severe combined immunodeficiency due to gamma chain deficiency; X-Linked Combined Immunodeficiency Diseases; SCID, X-LINKED; SEVERE COMBINED IMMUNODEFICIENCY, X-LINKED, T CELL-NEGATIVE, B CELL-POSITIVE, NK CELL-NEGATIVE; IMMUNODEFICIENCY 4. Identifiers: Orphanet 276, MedGen C6022468, MONDO:0010315, OMIM 300400. Disease mechanism: loss of function.

Submissions (4):

ClinGen Severe Combined Immunodeficiency Variant Curation Expert Panel, ClinGen
Classification: Likely pathogenic for X-linked severe combined immunodeficiency. Last evaluated: 2024-01-10. Review status: reviewed by expert panel. Criteria: ClinGen SCID ACMG Specifications IL2RG V1.0.0. Collection method: curation. Allele origin: germline. Inheritance: X-linked inheritance.
Comment: NM_000206.3(IL2RG):c.545G>A is a missense variant predicted to cause substitution of Cysteine by Tyrosine at amino acid 182 (p.Cys182Tyr). The variant is absent in gnomAD v4 (PM2_supporting). This variant has been reported in 6 probands (PS4_met, 5pts)(PMIDs: 25109802,22039266,18688286,35482138, 21865537,18728247) Another missense variant Cys182Arg in the same codon has been reported (PMID: 10794430) (not classified by SCID VCEP yet) (PM5 not evaluated). In summary, this variant meets the criteria to be classified as a Likely Pathogenic variant for X-linked severe combined immunodeficiency due to IL2RG deficiency based on the ACMG/AMP criteria applied, as specified by the ClinGen SCID VCEP: PM2_supporting,PP4_Moderate, PS4_met(VCEP specifications version 1).

CeGaT Center for Human Genetics Tuebingen
Classification: Pathogenic. Last evaluated: 2026-08-01. Review status: criteria provided, single submitter. Criteria: CeGaT Center For Human Genetics Tuebingen Variant Classification Criteria Version 2. Collection method: clinical testing. Allele origin: germline. Affected: yes. Observed: 1 variant allele. Not counted in ClinVar's aggregate classification.
Comment: IL2RG: PS4, PM2, PM5, PP4:Moderate

GeneDx
Classification: Likely pathogenic. Last evaluated: 2019-05-16. Review status: criteria provided, single submitter. Criteria: GeneDx Variant Classification Process June 2021. Collection method: clinical testing. Allele origin: germline. Affected: yes. Not counted in ClinVar's aggregate classification.
Comment: Not observed in large population cohorts (Lek et al., 2016); In silico analysis, which includes protein predictors and evolutionary conservation, supports a deleterious effect; This variant is associated with the following publications: (PMID: 18728247, 22039266)

Women's Health and Genetics/Laboratory Corporation of America, LabCorp
Classification: Uncertain significance. Last evaluated: 2019-05-13. Review status: criteria provided, single submitter. Criteria: LabCorp Variant Classification Summary - May 2015. Collection method: clinical testing. Allele origin: germline. Not counted in ClinVar's aggregate classification.
Comment: Variant summary: IL2RG c.545G>A (p.Cys182Tyr) results in a non-conservative amino acid change located in the Fibronectin type III domain of the encoded protein sequence. Five of five in-silico tools predict a damaging effect of the variant on protein function. The variant was absent in 183497 control chromosomes (gnomAD). c.545G>A has been reported in the literature in individuals affected with X-Linked Severe Combined Immunodeficiency (Howe_2008, Recher_2011). These data indicate that the variant may be associated with disease. The variant of interest was utilized in a functional study, Speckmann_2008, as a control and authors state the variant to be a loss-of-function variant, however, no independent assessment of the variant for functionality to support a loss of function mechanism was provided. A ClinVar submission from a clinical diagnostic laboratory (evaluation after 2014) cites the variant as uncertain significance. Other variants at this position, C182R, and nearby, L183S, E184G, H185R, and V187G, have been reported in HGMD as disease-causing. Based on the evidence outlined above, the variant was classified as VUS-possibly pathogenic.

Literature cited by the submitters: PubMed 18728247 (cited by Women's Health and Genetics/Laboratory Corporation of America, LabCorp); PubMed 22039266 (cited by Women's Health and Genetics/Laboratory Corporation of America, LabCorp); PubMed 25109802 (cited by Women's Health and Genetics/Laboratory Corporation of America, LabCorp); PubMed 18688286 (cited by Women's Health and Genetics/Laboratory Corporation of America, LabCorp).

NM_000206.3(IL2RG):c.545G>A (p.Cys182Tyr)

Gene: IL2RG (interleukin 2 receptor subunit gamma; minus strand). Cytogenetic location: Xq13.1.
Variant type: single nucleotide variant.
Coding change: c.545G>A on transcript NM_000206.3 (MANE Select); coding-DNA position 545, G replaced by A.
Protein change: p.Cys182Tyr; replaces cysteine 182 with tyrosine.
Molecular consequence: missense variant.
Genome position (GRCh38, 1-based): chrX:71,110,205, C>T on the plus strand (G>A on the coding strand, the complement: IL2RG is on the minus strand). VCF-style: chrX-71110205-C-T. GRCh37 (hg19) VCF-style: chrX-70330055-C-T.
Other names: NM_000206.3(IL2RG):c.545G>A; p.Cys182Tyr; short protein forms C182Y.
Identifiers: ClinVar variation 419664 (VCV000419664.7), dbSNP rs1064794027, ClinGen allele CA16621484.
Genomic context (GRCh38, chrX:71,110,205, plus strand): 5'-TAGTCACTCACAGTCCAGCTGTGGTCCCAGTCAGTCCGGTACTGCACCAAGTGCTCCAAA[C>T]AGTGGTTCAAGAATCTGTTGTTCCAGTTCAGTTCTAGCTGGGATTCACTCAGTTTGTGAA-3'
Protein context (NP_000197.1, residues 172-192): LNWNNRFLNH[Cys182Tyr]LEHLVQYRTD